The following is an entry in ClinVar:

Single allele

Variant type: Duplication.
Identifiers: ClinVar variation 590886 (VCV000590886.2).

ClinVar aggregate classification (germline): Pathogenic (1 of 4 stars; one submission).

Conditions:
Ectrodactyly. Also called: Split-hand/foot malformation; Split hand-foot malformation. Identifiers: Orphanet 2440, MedGen C0265554, MONDO:0016576, HP:0100257.

Submission:

Genetics - Synnovis, NHS South East Genomic Laboratory Hub
Classification: Pathogenic for Split-Hand/Foot Malformation. Review status: criteria provided, single submitter. Criteria: ACMG CNV Guidelines, 2011. Collection method: clinical testing. Allele origin: de novo. Inheritance: Autosomal dominant inheritance. Affected: yes. Observed: 1 heterozygote.
Comment: Duplications of this region are associated with split hand/foot malformation 3.